The following is an entry in ClinVar:

ClinVar aggregate classification (germline): Uncertain significance (1 of 4 stars; one submission).

Conditions:
Primary ciliary dyskinesia. Also called: Ciliary dyskinesia. Identifiers: Orphanet 244, MedGen C0008780, MONDO:0016575, HP:0012265.

Submission:

Labcorp Genetics (formerly Invitae), Labcorp
Classification: Uncertain significance for Primary ciliary dyskinesia. Last evaluated: 2022-08-10. Review status: criteria provided, single submitter. Criteria: Invitae Variant Classification Sherloc (09022015). Collection method: clinical testing. Allele origin: germline.
Comment: This variant is not present in population databases (gnomAD no frequency). This variant has not been reported in the literature in individuals affected with DNAAF2-related conditions. Algorithms developed to predict the effect of missense changes on protein structure and function output the following: SIFT: "Tolerated"; PolyPhen-2: "Benign"; Align-GVGD: "Class C0". The isoleucine amino acid residue is found in multiple mammalian species, which suggests that this missense change does not adversely affect protein function. In summary, the available evidence is currently insufficient to determine the role of this variant in disease. Therefore, it has been classified as a Variant of Uncertain Significance. This sequence change replaces valine, which is neutral and non-polar, with isoleucine, which is neutral and non-polar, at codon 816 of the DNAAF2 protein (p.Val816Ile).

NM_018139.3(DNAAF2):c.2446G>A (p.Val816Ile)

Gene: DNAAF2 (dynein axonemal assembly factor 2; minus strand). Cytogenetic location: 14q21.3.
Variant type: single nucleotide variant.
Coding change: c.2446G>A on transcript NM_018139.3 (MANE Select); coding-DNA position 2446, G replaced by A.
Protein change: p.Val816Ile; replaces valine 816 with isoleucine.
Molecular consequence: missense variant.
Genome position (GRCh38, 1-based): chr14:49,625,610, C>T on the plus strand (G>A on the coding strand, the complement: DNAAF2 is on the minus strand). VCF-style: chr14-49625610-C-T. GRCh37 (hg19) VCF-style: chr14-50092328-C-T.
Other names: c.2302G>A, p.Val768Ile (NM_001083908.2); c.235G>A, p.Val79Ile (NM_001378453.1); short protein forms V816I, V768I, V79I.
Identifiers: ClinVar variation 2150489 (VCV002150489.4), dbSNP rs1566507420, ClinGen allele CA389622768.